The following is an entry in ClinVar:

NM_007194.4(CHEK2):c.1096-10T>C

Gene: CHEK2 (checkpoint kinase 2; minus strand). Cytogenetic location: 22q12.1.
Variant type: single nucleotide variant.
Coding change: c.1096-10T>C on transcript NM_007194.4 (MANE Select); 10 bases into the intron before coding-DNA position 1096, T replaced by C.
Molecular consequence: intron variant.
Genome position (GRCh38, 1-based): chr22:28,695,883, A>G on the plus strand (T>C on the coding strand, the complement: CHEK2 is on the minus strand). VCF-style: chr22-28695883-A-G. GRCh37 (hg19) VCF-style: chr22-29091871-A-G.
Other names: c.433-10T>C (NM_001437942.1, NM_001257387.3); c.895-10T>C (NM_001349956.3); c.1009-10T>C (NM_145862.3); c.1102-10T>C (NM_001438295.1); c.1189-10T>C (NM_001438293.1); c.1138-10T>C (NM_001438294.1); c.1225-10T>C (NM_001005735.3).
Identifiers: ClinVar variation 491590 (VCV000491590.16), dbSNP rs1555913946, ClinGen allele CA658684245.
Genomic context (GRCh38, chr22:28,695,883, plus strand): 5'-TCTCATGAGAGAGGTCTCTCCCAAAATCTTGGAGTGCCCAAAATCAGTAATCTAAAATTC[A>G]GTACAAAAGGGAATAATGTTGAACTTGCCATAAAATAAAAAGATTAACATAGTCTGCCAG-3'

ClinVar aggregate classification (germline): Conflicting classifications of pathogenicity. Review status: criteria provided, conflicting classifications (1 of 4 stars). 4 submissions from 4 submitters: Uncertain significance (1); Likely benign (3). Last evaluated 2025-09-12.

Conditions:
Familial cancer of breast. Also called: Hereditary breast cancer; hereditary breast carcinoma; BREAST CANCER, FAMILIAL. Identifiers: Orphanet 227535, MedGen C0346153, MONDO:0016419, OMIM 114480. Disease mechanism: loss of function.
Hereditary cancer-predisposing syndrome. Also called: Hereditary neoplastic syndrome; Tumor predisposition; Hereditary Cancer Syndrome; Neoplastic Syndromes, Hereditary. Identifiers: Orphanet 140162, MedGen C0027672, MeSH D009386, MONDO:0015356.

gnomAD v4.1: 15 of 1,603,336 alleles (0.00094%); highest among the groups gnomAD compares: Non-Finnish European, 0.001%; no homozygotes.

Submissions (4):

Labcorp Genetics (formerly Invitae), Labcorp
Classification: Likely benign for Familial cancer of breast. Last evaluated: 2025-09-12. Review status: criteria provided, single submitter. Criteria: Invitae Variant Classification Sherloc (09022015). Collection method: clinical testing. Allele origin: germline.

Myriad Genetics, Inc.
Classification: Likely benign for Familial cancer of breast. Last evaluated: 2024-10-04. Review status: criteria provided, single submitter. Criteria: Myriad Autosomal Dominant, Autosomal Recessive and X-Linked Classification Criteria (2023). Collection method: clinical testing. Allele origin: unknown.
Comment: This variant is considered likely benign. This variant is intronic and is not expected to impact mRNA splicing.

Sema4
Classification: Uncertain significance for Hereditary cancer-predisposing syndrome. Last evaluated: 2021-09-24. Review status: criteria provided, single submitter. Criteria: Sema4 Curation Guidelines. Collection method: curation. Allele origin: germline.
Comment: The CHEK2 c.1096-10T>C variant has not been reported in the literature to our knowledge. It was not observed in the large and broad cohorts of the Genome Aggregation Database, but has been reported in ClinVar (Variation ID 491590). In silico tools suggest the variant does not significantly alter normal splicing, though these predictions have not been confirmed by functional studies. The evidence is insufficient to meet ACMG/AMP criteria for classifying the variant as benign or pathogenic. Thus, the clinical significance of this variant is currently uncertain.

Color Diagnostics, LLC DBA Color Health
Classification: Likely benign for Hereditary cancer-predisposing syndrome. Last evaluated: 2016-01-04. Review status: criteria provided, single submitter. Criteria: ACMG Guidelines, 2015. Collection method: clinical testing. Allele origin: germline.